The following is an entry in ClinVar:

NM_181458.4(PAX3):c.659G>A (p.Arg220His)

Gene: PAX3 (paired box 3; minus strand). Cytogenetic location: 2q36.1.
Variant type: single nucleotide variant.
Coding change: c.659G>A on transcript NM_181458.4 (MANE Select); coding-DNA position 659, G replaced by A.
Protein change: p.Arg220His; replaces arginine 220 with histidine.
Molecular consequence: missense variant.
Genome position (GRCh38, 1-based): chr2:222,232,211, C>T on the plus strand (G>A on the coding strand, the complement: PAX3 is on the minus strand). VCF-style: chr2-222232211-C-T. GRCh37 (hg19) VCF-style: chr2-223096930-C-T.
Other names: c.659G>A, p.Arg220His (NM_181460.4, NM_181461.4, NM_181457.4 and 1 more transcripts); c.656G>A, p.Arg219His (NM_001127366.3); short protein forms R219H, R220H.
Identifiers: ClinVar variation 2086831 (VCV002086831.4), dbSNP rs2469286081, ClinGen allele CA351112650.

ClinVar aggregate classification (germline): Uncertain significance (1 of 4 stars; one submission).

Allele frequency attached by ClinVar (database versions not stated): gnomAD exomes below 0.00001.
gnomAD v4.1: 3 of 1,614,032 alleles (0.00019%); highest among the groups gnomAD compares: Non-Finnish European, 0.00017%; no homozygotes.

Submission:

Labcorp Genetics (formerly Invitae), Labcorp
Classification: Uncertain significance. Last evaluated: 2022-09-24. Review status: criteria provided, single submitter. Criteria: Invitae Variant Classification Sherloc (09022015). Collection method: clinical testing. Allele origin: germline.
Comment: This sequence change replaces arginine, which is basic and polar, with histidine, which is basic and polar, at codon 220 of the PAX3 protein (p.Arg220His). This variant is not present in population databases (gnomAD no frequency). This variant has not been reported in the literature in individuals affected with PAX3-related conditions. Advanced modeling of protein sequence and biophysical properties (such as structural, functional, and spatial information, amino acid conservation, physicochemical variation, residue mobility, and thermodynamic stability) has been performed at Invitae for this missense variant, however the output from this modeling did not meet the statistical confidence thresholds required to predict the impact of this variant on PAX3 protein function. In summary, the available evidence is currently insufficient to determine the role of this variant in disease. Therefore, it has been classified as a Variant of Uncertain Significance.